The following is an entry in ClinVar:

NM_001130438.3(SPTAN1):c.6113T>A (p.Ile2038Asn)

Gene: SPTAN1 (spectrin alpha, non-erythrocytic 1; plus strand). Cytogenetic location: 9q34.11.
Variant type: single nucleotide variant.
Coding change: c.6113T>A on transcript NM_001130438.3 (MANE Select); coding-DNA position 6113, T replaced by A.
Protein change: p.Ile2038Asn; replaces isoleucine 2038 with asparagine.
Molecular consequence: missense variant.
Genome position (GRCh38, 1-based): chr9:128,625,812, T>A. VCF-style: chr9-128625812-T-A. GRCh37 (hg19) VCF-style: chr9-131388091-T-A.
Other names: c.6038T>A, p.Ile2013Asn (NM_001195532.2); c.6113T>A, p.Ile2038Asn (NM_001363759.2, NM_001375310.1, NM_001375311.2 and 1 more transcripts); c.6053T>A, p.Ile2018Asn (NM_001363765.2, NM_001375314.2); c.6149T>A, p.Ile2050Asn (NM_001375312.2, NM_001375318.1); c.6098T>A, p.Ile2033Asn (NM_003127.4); short protein forms I2013N, I2018N, I2033N, I2038N, I2050N.
Identifiers: ClinVar variation 2635306 (VCV002635306.1), dbSNP rs1227328885, ClinGen allele CA375086122.

ClinVar aggregate classification (germline): Uncertain significance (1 of 4 stars; one submission).

Conditions:
SPTAN1-related disorder. Also called: SPTAN1-related disorders; SPTAN1-related condition.

Submission:

PreventionGenetics, part of Exact Sciences
Classification: Uncertain significance for SPTAN1-related condition. Last evaluated: 2022-11-04. Review status: criteria provided, single submitter. Criteria: ACMG Guidelines, 2015. Collection method: clinical testing. Allele origin: germline.
Comment: The SPTAN1 c.6113T>A variant is predicted to result in the amino acid substitution p.Ile2038Asn. To our knowledge, this variant has not been reported in the literature or in a large population database, indicating this variant is rare. At this time, the clinical significance of this variant is uncertain due to the absence of conclusive functional and genetic evidence.